The following is an entry in ClinVar:

ClinVar aggregate classification (germline): Uncertain significance (1 of 4 stars; one submission).

gnomAD v4.1: 2 of 1,504,904 alleles (0.00013%); highest among the groups gnomAD compares: African/African-American, 0.003%; no homozygotes.

Submission:

Labcorp Genetics (formerly Invitae), Labcorp
Classification: Uncertain significance. Last evaluated: 2022-12-02. Review status: criteria provided, single submitter. Criteria: Invitae Variant Classification Sherloc (09022015). Collection method: clinical testing. Allele origin: germline.
Comment: In summary, the available evidence is currently insufficient to determine the role of this variant in disease. Therefore, it has been classified as a Variant of Uncertain Significance. Algorithms developed to predict the effect of sequence changes on RNA splicing suggest that this variant may disrupt the consensus splice site. ClinVar contains an entry for this variant (Variation ID: 1681874). This variant has not been reported in the literature in individuals affected with ADSSL1-related conditions. This variant is not present in population databases (gnomAD no frequency). This sequence change affects the initiator methionine of the ADSSL1 mRNA. The next in-frame methionine is located at codon 249.

NM_152328.5(ADSS1):c.193-5125G>T

Gene: ADSS1 (adenylosuccinate synthase 1; plus strand). Cytogenetic location: 14q32.33.
Variant type: single nucleotide variant.
Coding change: c.193-5125G>T on transcript NM_152328.5 (MANE Select); 5125 bases into the intron before coding-DNA position 193, G replaced by T.
Molecular consequence: intron variant. On other transcripts: 5 prime UTR variant (1), missense variant (1), initiator codon variant (1).
Genome position (GRCh38, 1-based): chr14:104,729,895, G>T. VCF-style: chr14-104729895-G-T. GRCh37 (hg19) VCF-style: chr14-105196232-G-T.
Other names: c.-725G>T (NM_001320424.1); c.3G>T, p.Met1Ile (NM_199165.2); short protein forms M1I.
Identifiers: ClinVar variation 1681874 (VCV001681874.6), dbSNP rs150558753, ClinGen allele CA391232271.